The following is an entry in ClinVar:

NM_022124.6(CDH23):c.7902_7903insTTACGAG (p.Val2635fs)

Gene: CDH23 (cadherin related 23; plus strand). Cytogenetic location: 10q22.1.
Variant type: Insertion.
Coding change: c.7902_7903insTTACGAG on transcript NM_022124.6 (MANE Select); coding-DNA positions 7902 to 7903, TTACGAG inserted.
Protein change: p.Val2635fs; shifts the reading frame from valine 2635.
Molecular consequence: frameshift variant.
Genome position: GRCh38 VCF-style: chr10-71805829-G-GTACGAGT. GRCh37 (hg19) VCF-style: chr10-73565586-G-GTACGAGT.
Other names: c.1182_1183insTTACGAG, p.Val395fs (NM_001171933.1, NM_001171934.1); short protein forms V395fs, V2635fs.
Identifiers: ClinVar variation 856378 (VCV000856378.10), dbSNP rs1221464948, ClinGen allele CA594705956.

ClinVar aggregate classification (germline): Pathogenic/Likely pathogenic. Review status: criteria provided, multiple submitters, no conflicts (2 of 4 stars). 3 submissions from 3 submitters: Pathogenic (1); Likely pathogenic (2). Last evaluated 2025-01-13.

Conditions:
CDH23-related disorder. Also called: CDH23-related condition; CDH23-related disorders.
Pituitary adenoma 5, multiple types. Identifiers: MedGen C4539685, MONDO:0054601, OMIM 617540.

Submissions (3):

Labcorp Genetics (formerly Invitae), Labcorp
Classification: Pathogenic. Last evaluated: 2025-01-13. Review status: criteria provided, single submitter. Criteria: Invitae Variant Classification Sherloc (09022015). Collection method: clinical testing. Allele origin: germline.
Comment: This sequence change creates a premature translational stop signal (p.Val2635Leufs*10) in the CDH23 gene. It is expected to result in an absent or disrupted protein product. Loss-of-function variants in CDH23 are known to be pathogenic (PMID: 11138009, 21940737). This variant is present in population databases (no rsID available, gnomAD 0.007%). This variant has not been reported in the literature in individuals affected with CDH23-related conditions. ClinVar contains an entry for this variant (Variation ID: 856378). For these reasons, this variant has been classified as Pathogenic.

Baylor Genetics
Classification: Likely pathogenic for Pituitary adenoma 5, multiple types. Last evaluated: 2024-03-04. Review status: criteria provided, single submitter. Criteria: ACMG Guidelines, 2015. Collection method: clinical testing. Allele origin: unknown.

Blueprint Genetics
Classification: Likely pathogenic for CDH23-related disorders. Last evaluated: 2021-07-01. Review status: criteria provided, single submitter. Criteria: ACMG Guidelines, 2015. Collection method: clinical testing. Allele origin: germline. Affected: yes. Observed: 2 variant alleles.

Literature cited by the submitters: PubMed 11138009 (cited by Labcorp Genetics (formerly Invitae), Labcorp); PubMed 21940737 (cited by Labcorp Genetics (formerly Invitae), Labcorp).